The following is an entry in ClinVar:

ClinVar aggregate classification (germline): Uncertain significance. Review status: criteria provided, multiple submitters, no conflicts (2 of 4 stars). 2 submissions from 2 submitters: Uncertain significance (2). Last evaluated 2023-01-23.

Conditions:
Primary ciliary dyskinesia. Also called: Ciliary dyskinesia. Identifiers: Orphanet 244, MedGen C0008780, MONDO:0016575, HP:0012265.

Allele frequency attached by ClinVar (database versions not stated): gnomAD 0.00002; 1000 Genomes Project 30x 0.00016; 1000 Genomes Project 0.00020.
gnomAD v4.1: 9 of 1,613,952 alleles (0.00056%); highest among the groups gnomAD compares: Admixed American, 0.013%; no homozygotes.

Submissions (2):

Ambry Genetics
Classification: Uncertain significance for Primary ciliary dyskinesia. Last evaluated: 2023-01-23. Review status: criteria provided, single submitter. Criteria: Ambry Variant Classification Scheme 2023. Collection method: clinical testing. Allele origin: germline.

Labcorp Genetics (formerly Invitae), Labcorp
Classification: Uncertain significance for Primary ciliary dyskinesia. Last evaluated: 2021-12-19. Review status: criteria provided, single submitter. Criteria: Invitae Variant Classification Sherloc (09022015). Collection method: clinical testing. Allele origin: germline.
Comment: This sequence change replaces aspartic acid, which is acidic and polar, with glutamic acid, which is acidic and polar, at codon 1587 of the DNAH5 protein (p.Asp1587Glu). This variant is present in population databases (rs571999271, gnomAD 0.006%). This variant has not been reported in the literature in individuals affected with DNAH5-related conditions. Advanced modeling of protein sequence and biophysical properties (such as structural, functional, and spatial information, amino acid conservation, physicochemical variation, residue mobility, and thermodynamic stability) performed at Invitae indicates that this missense variant is not expected to disrupt DNAH5 protein function. In summary, the available evidence is currently insufficient to determine the role of this variant in disease. Therefore, it has been classified as a Variant of Uncertain Significance.

NM_001369.3(DNAH5):c.4761C>G (p.Asp1587Glu)

Genes: DNAH5-AS1 (DNAH5 antisense RNA 1; plus strand), DNAH5 (dynein axonemal heavy chain 5; minus strand). Cytogenetic location: 5p15.2.
Variant type: single nucleotide variant.
Coding change: c.4761C>G on transcript NM_001369.3 (MANE Select); coding-DNA position 4761, C replaced by G.
Protein change: p.Asp1587Glu; replaces aspartic acid 1587 with glutamic acid.
Molecular consequence: missense variant.
Genome position (GRCh38, 1-based): chr5:13,862,583, G>C on the plus strand (C>G on the coding strand, the complement: DNAH5 is on the minus strand). VCF-style: chr5-13862583-G-C. GRCh37 (hg19) VCF-style: chr5-13862692-G-C.
Other names: c.4761C>G (NM_001369.2); short protein forms D1587E.
Identifiers: ClinVar variation 2175837 (VCV002175837.3), dbSNP rs571999271, ClinGen allele CA3203898.